The following is an entry in ClinVar:

ClinVar aggregate classification (germline): Uncertain significance. Review status: criteria provided, multiple submitters, no conflicts (2 of 4 stars). 3 submissions from 3 submitters: Uncertain significance (3). Last evaluated 2026-05-08.

Allele frequency attached by ClinVar (database versions not stated): gnomAD 0.00002; gnomAD exomes 0.00001; ExAC 0.00001.
gnomAD v4.1: 24 of 1,613,338 alleles (0.0015%); highest among the groups gnomAD compares: African/African-American, 0.008%; no homozygotes.

Submissions (3):

Women's Health and Genetics/Laboratory Corporation of America, LabCorp
Classification: Uncertain significance. Last evaluated: 2026-05-08. Review status: criteria provided, single submitter. Criteria: LabCorp Variant Classification Summary - May 2015. Collection method: clinical testing. Allele origin: germline.
Comment: Variant summary: TTN c.89930G>A (p.Arg29977Gln) results in a conservative amino acid change in the encoded protein sequence. Algorithms developed to predict the effect of missense changes on protein structure and function are either unavailable or do not agree on the potential impact of this missense change. The variant allele was found at a frequency of 1.6e-05 in 248560 control chromosomes. The available data on variant occurrences in the general population are insufficient to allow any conclusion about variant significance. c.89930G>A has been observed in the heterozygous state in an individual affected with a connective tissue disease and their apparently unaffected mother (example: Starr_2023). The affected individual and their similarly affected sibling were also found to carry two TGRBR1 variants in trans. The report of the TTN c.89930G>A variant in the one sibling and their mother does not provide unequivocal conclusions about association of the variant with TTN-related disorders. To our knowledge, no experimental evidence demonstrating an impact on protein function has been reported. The following publication has been ascertained in the context of this evaluation (PMID: 36584339). ClinVar contains an entry for this variant (Variation ID: 2438227). Based on the evidence outlined above, the variant was classified as uncertain significance.

GeneDx
Classification: Uncertain significance. Last evaluated: 2024-01-05. Review status: criteria provided, single submitter. Criteria: GeneDx Variant Classification Process June 2021. Collection method: clinical testing. Allele origin: germline. Affected: yes.
Comment: Not observed at significant frequency in large population cohorts (gnomAD); Missense variant in a gene in which most reported pathogenic variants are truncating/loss of function; Has not been previously published as pathogenic or benign to our knowledge

Revvity Omics, Revvity
Classification: Uncertain significance. Last evaluated: 2019-06-17. Review status: criteria provided, single submitter. Criteria: ACMG Guidelines, 2015. Collection method: clinical testing. Allele origin: germline.

Literature cited by the submitters: PubMed 36584339 (cited by Women's Health and Genetics/Laboratory Corporation of America, LabCorp).

NM_001267550.2(TTN):c.97634G>A (p.Arg32545Gln)

Genes: TTN (titin; minus strand), TTN-AS1 (TTN antisense RNA 1; plus strand). Cytogenetic location: 2q31.2.
Variant type: single nucleotide variant.
Coding change: c.97634G>A on transcript NM_001267550.2 (MANE Select); coding-DNA position 97634, G replaced by A.
Protein change: p.Arg32545Gln; replaces arginine 32545 with glutamine.
Molecular consequence: missense variant.
Genome position (GRCh38, 1-based): chr2:178,541,443, C>T on the plus strand (G>A on the coding strand, the complement: TTN is on the minus strand). VCF-style: chr2-178541443-C-T. GRCh37 (hg19) VCF-style: chr2-179406170-C-T.
Other names: c.92711G>A, p.Arg30904Gln (NM_001256850.1); c.70439G>A, p.Arg23480Gln (NM_003319.4); c.89930G>A, p.Arg29977Gln (NM_133378.4); c.70814G>A, p.Arg23605Gln (NM_133432.3); c.71015G>A, p.Arg23672Gln (NM_133437.4); short protein forms R23480Q, R23605Q, R23672Q, R29977Q, R30904Q, R32545Q.
Identifiers: ClinVar variation 2438227 (VCV002438227.5), dbSNP rs754540983, ClinGen allele CA1986514.